The following is an entry in ClinVar:

ClinVar aggregate classification (germline): Uncertain significance (1 of 4 stars; one submission).

gnomAD v4.1: 1 of 1,614,022 alleles (0.000062%); highest among the groups gnomAD compares: Non-Finnish European, 0.000085%; no homozygotes.

Submission:

Labcorp Genetics (formerly Invitae), Labcorp
Classification: Uncertain significance. Last evaluated: 2024-05-04. Review status: criteria provided, single submitter. Criteria: Invitae Variant Classification Sherloc (09022015). Collection method: clinical testing. Allele origin: germline.
Comment: This sequence change replaces tryptophan, which is neutral and slightly polar, with arginine, which is basic and polar, at codon 790 of the EMC1 protein (p.Trp790Arg). This variant is not present in population databases (gnomAD no frequency). This variant has not been reported in the literature in individuals affected with EMC1-related conditions. Advanced modeling of protein sequence and biophysical properties (such as structural, functional, and spatial information, amino acid conservation, physicochemical variation, residue mobility, and thermodynamic stability) performed at Invitae indicates that this missense variant is expected to disrupt EMC1 protein function with a positive predictive value of 80%. In summary, the available evidence is currently insufficient to determine the role of this variant in disease. Therefore, it has been classified as a Variant of Uncertain Significance.

NM_015047.3(EMC1):c.2368T>C (p.Trp790Arg)

Genes: EMC1 (ER membrane protein complex subunit 1; minus strand), EMC1-AS1 (EMC1 antisense RNA 1; plus strand). Cytogenetic location: 1p36.13.
Variant type: single nucleotide variant.
Coding change: c.2368T>C on transcript NM_015047.3 (MANE Select); coding-DNA position 2368, T replaced by C.
Protein change: p.Trp790Arg; replaces tryptophan 790 with arginine.
Molecular consequence: missense variant.
Genome position (GRCh38, 1-based): chr1:19,223,404, A>G on the plus strand (T>C on the coding strand, the complement: EMC1 is on the minus strand). VCF-style: chr1-19223404-A-G. GRCh37 (hg19) VCF-style: chr1-19549898-A-G.
Other names: c.2365T>C, p.Trp789Arg (NM_001271427.2, NM_001271428.2); c.2302T>C, p.Trp768Arg (NM_001271429.2); c.2377T>C, p.Trp793Arg (NM_001375820.1); c.2374T>C, p.Trp792Arg (NM_001375821.1); short protein forms W768R, W789R, W790R, W792R, W793R.
Identifiers: ClinVar variation 3617883 (VCV003617883.2).